The following is an entry in ClinVar:

NM_000465.4(BARD1):c.1408A>T (p.Asn470Tyr)

Gene: BARD1 (BRCA1 associated RING domain 1; minus strand). Cytogenetic location: 2q35.
Variant type: single nucleotide variant.
Coding change: c.1408A>T on transcript NM_000465.4 (MANE Select); coding-DNA position 1408, A replaced by T.
Protein change: p.Asn470Tyr; replaces asparagine 470 with tyrosine.
Molecular consequence: missense variant. On other transcripts: non-coding transcript variant (3), intron variant (3).
Genome position (GRCh38, 1-based): chr2:214,767,642, T>A on the plus strand (A>T on the coding strand, the complement: BARD1 is on the minus strand). VCF-style: chr2-214767642-T-A. GRCh37 (hg19) VCF-style: chr2-215632366-T-A.
Other names: c.1351A>T, p.Asn451Tyr (NM_001282543.2); c.159-15087A>T (NM_001282548.2); c.216-15087A>T (NM_001282545.2); c.364+24655A>T (NM_001282549.2); short protein forms N451Y, N470Y.
Identifiers: ClinVar variation 3231768 (VCV003231768.1), dbSNP rs1694277558, ClinGen allele CA350448783.

ClinVar aggregate classification (germline): Uncertain significance (1 of 4 stars; one submission).

Conditions:
Hereditary cancer-predisposing syndrome. Also called: Neoplastic Syndromes, Hereditary; Tumor predisposition; Hereditary neoplastic syndrome; Hereditary Cancer Syndrome. Identifiers: Orphanet 140162, MedGen C0027672, MeSH D009386, MONDO:0015356.

Submission:

Ambry Genetics
Classification: Uncertain significance for Hereditary cancer-predisposing syndrome. Last evaluated: 2024-02-11. Review status: criteria provided, single submitter. Criteria: Ambry Variant Classification Scheme 2023. Collection method: clinical testing. Allele origin: germline.
Comment: The p.N470Y variant (also known as c.1408A>T), located in coding exon 6 of the BARD1 gene, results from an A to T substitution at nucleotide position 1408. The asparagine at codon 470 is replaced by tyrosine, an amino acid with dissimilar properties. This amino acid position is conserved. In addition, this alteration is predicted to be tolerated by in silico analysis. Based on the available evidence, the clinical significance of this alteration remains unclear.